The following is an entry in ClinVar:

NM_173630.4(RTTN):c.5143A>G (p.Asn1715Asp)

Gene: RTTN (rotatin; minus strand). Cytogenetic location: 18q22.2.
Variant type: single nucleotide variant.
Coding change: c.5143A>G on transcript NM_173630.4 (MANE Select); coding-DNA position 5143, A replaced by G.
Protein change: p.Asn1715Asp; replaces asparagine 1715 with aspartic acid.
Molecular consequence: missense variant.
Genome position (GRCh38, 1-based): chr18:70,054,173, T>C on the plus strand (A>G on the coding strand, the complement: RTTN is on the minus strand). VCF-style: chr18-70054173-T-C. GRCh37 (hg19) VCF-style: chr18-67721409-T-C.
Other names: c.2407A>G, p.Asn803Asp (NM_001318520.2); short protein forms N1715D, N803D.
Identifiers: ClinVar variation 197052 (VCV000197052.47), dbSNP rs35374168, ClinGen allele CA202678.
Genomic context (GRCh38, chr18:70,054,173, plus strand): 5'-TAAAACAATTAAGCTTACCTAATACATCTTTGGTACATATGGTGAGAATTCCAATGATAT[T>C]GGTGATAAGAGGTTTCACAAGCTCATCCTGAATCACAAGGTCAGGCTCCACCAATAAACA-3'
Protein context (NP_775901.3, residues 1705-1725): QDELVKPLIT[Asn1715Asp]IIGILTICTK

ClinVar aggregate classification (germline): Benign/Likely benign. Review status: criteria provided, multiple submitters, no conflicts (2 of 4 stars). 10 submissions from 10 submitters: Benign (1); Likely benign (8). 1 of the submissions does not count toward it. Last evaluated 2026-07-01.

Conditions:
RTTN-related disorder. Also called: RTTN-related condition.
Inborn genetic diseases. Identifiers: MedGen C0950123, MeSH D030342.

Allele frequency attached by ClinVar (database versions not stated): 1000 Genomes Project 30x 0.00078; 1000 Genomes Project 0.00080; ExAC 0.00196; gnomAD exomes 0.00216 and 0.00440; ESP Exome Variant Server 0.00218; TOPMed 0.00240; gnomAD 0.00257 and 0.00275.
gnomAD v4.1: 6,704 of 1,613,620 alleles (0.42%); highest among the groups gnomAD compares: Non-Finnish European, 0.54%; 31 homozygotes.

Submissions (10):

CeGaT Center for Human Genetics Tuebingen
Classification: Likely benign. Last evaluated: 2026-07-01. Review status: criteria provided, single submitter. Criteria: CeGaT Center For Human Genetics Tuebingen Variant Classification Criteria Version 2. Collection method: clinical testing. Allele origin: germline. Affected: yes. Observed: 14 variant alleles.
Comment: RTTN: BS2

Labcorp Genetics (formerly Invitae), Labcorp
Classification: Benign. Last evaluated: 2026-01-27. Review status: criteria provided, single submitter. Criteria: Invitae Variant Classification Sherloc (09022015). Collection method: clinical testing. Allele origin: germline.

Blueprint Genetics
Classification: Likely benign. Last evaluated: 2024-11-08. Review status: criteria provided, single submitter. Criteria: ACMG Guidelines, 2015. Collection method: clinical testing. Allele origin: germline.

Ambry Genetics
Classification: Likely benign for Inborn genetic diseases. Last evaluated: 2022-06-06. Review status: criteria provided, single submitter. Criteria: Ambry Variant Classification Scheme 2023. Collection method: clinical testing. Allele origin: germline.

GeneDx
Classification: Likely benign. Last evaluated: 2020-07-30. Review status: criteria provided, single submitter. Criteria: GeneDx Variant Classification Process June 2021. Collection method: clinical testing. Allele origin: germline. Affected: yes.
Comment: This variant is associated with the following publications: (PMID: 28518170)

Genetic Services Laboratory, University of Chicago
Classification: Likely benign. Last evaluated: 2018-09-27. Review status: criteria provided, single submitter. Criteria: ACMG Guidelines, 2015. Collection method: clinical testing. Allele origin: germline. Affected: no.

Center for Pediatric Genomic Medicine, Children's Mercy Hospital and Clinics
Classification: Likely benign. Last evaluated: 2017-06-26. Review status: criteria provided, single submitter. Criteria: ACMG Guidelines, 2015. Collection method: clinical testing. Allele origin: germline.

Eurofins Ntd Llc (ga)
Classification: Likely benign. Last evaluated: 2015-03-12. Review status: criteria provided, single submitter. Criteria: EGL Classification Definitions 2015. Collection method: clinical testing. Allele origin: germline. Observed: 1 variant allele, 1 heterozygote.

Breakthrough Genomics
Classification: Likely benign. Review status: criteria provided, single submitter. Criteria: ACMG Guidelines, 2015. Collection method: not provided. Allele origin: germline. Inheritance: Autosomal recessive inheritance. Affected: yes.

PreventionGenetics, part of Exact Sciences
Classification: Likely benign for RTTN-related condition. Last evaluated: 2020-02-13. Review status: no assertion criteria provided. Collection method: clinical testing. Allele origin: germline. Not counted in ClinVar's aggregate classification.
Comment: This variant is classified as likely benign based on ACMG/AMP sequence variant interpretation guidelines (Richards et al. 2015 PMID: 25741868, with internal and published modifications).